The following is an entry in ClinVar:

NM_015915.5(ATL1):c.1220A>T (p.Lys407Met)

Gene: ATL1 (atlastin GTPase 1; plus strand). Cytogenetic location: 14q22.1.
Variant type: single nucleotide variant.
Coding change: c.1220A>T on transcript NM_015915.5 (MANE Select); coding-DNA position 1220, A replaced by T.
Protein change: p.Lys407Met; replaces lysine 407 with methionine.
Molecular consequence: missense variant.
Genome position (GRCh38, 1-based): chr14:50,628,131, A>T. VCF-style: chr14-50628131-A-T. GRCh37 (hg19) VCF-style: chr14-51094849-A-T.
Other names: c.1220A>T, p.Lys407Met (NM_001127713.1, NM_181598.4); short protein forms K407M.
Identifiers: ClinVar variation 986192 (VCV000986192.11), dbSNP rs2039539459, ClinGen allele CA389675796.

ClinVar aggregate classification (germline): Pathogenic/Likely pathogenic. Review status: criteria provided, multiple submitters, no conflicts (2 of 4 stars). 4 submissions from 4 submitters: Pathogenic (2); Likely pathogenic (2). Last evaluated 2023-06-30.

Conditions:
Inborn genetic diseases. Identifiers: MedGen C0950123, MeSH D030342.
Hereditary spastic paraplegia 3A (SPG3A). Also called: SPASTIC PARAPLEGIA 3, AUTOSOMAL DOMINANT; FAMILIAL SPASTIC PARAPLEGIA, AUTOSOMAL DOMINANT, 1; SPG3; STRUMPELL DISEASE; Spastic Paraplegia 3A; Spastic paraplegia 3A, autosomal dominant. Identifiers: Orphanet 100984, MedGen C2931355, MONDO:0008437, OMIM 182600.

Submissions (4):

Illumina Laboratory Services, Illumina
Classification: Likely pathogenic for Hereditary spastic paraplegia 3A. Last evaluated: 2023-06-30. Review status: criteria provided, single submitter. Criteria: ICSLVariantClassificationCriteria RUGD 01 April 2020. Collection method: clinical testing. Allele origin: unknown.
Comment: The ATL1 c.1220A>T (p.Lys407Met) missense variant has not, to our knowledge, been reported in the peer-reviewed literature. However, a different variant at the same position, c.1220A>G (p.Lys407Arg), has been reported in a family where the variant segregated in individuals with hereditary spastic paraplegia across multiple generations (PMID: 19423133). Another missense variant at the same position, the c.1221G>C (p.Lys407Asn) has been observed in an individual with abnormality of the nervous system (PMID: 26633542). The p.Lys407Met variant is not observed in version 2.1.1 or version 3.1.2 of the Genome Aggregation Database. Multiple lines of computational evidence suggest the variant may impact the gene or gene product. This variant was identified in a de novo state. Based on the available evidence, the c.1220A>T (p.Lys407Met) variant is classified as likely pathogenic for spastic paraplegia.

Labcorp Genetics (formerly Invitae), Labcorp
Classification: Pathogenic for Hereditary spastic paraplegia 3A. Last evaluated: 2022-07-12. Review status: criteria provided, single submitter. Criteria: Invitae Variant Classification Sherloc (09022015). Collection method: clinical testing. Allele origin: germline.
Comment: This sequence change replaces lysine, which is basic and polar, with methionine, which is neutral and non-polar, at codon 407 of the ATL1 protein (p.Lys407Met). This variant is not present in population databases (gnomAD no frequency). This missense change has been observed in individual(s) with ATL1-related conditions (Invitae). In at least one individual the variant was observed to be de novo. ClinVar contains an entry for this variant (Variation ID: 986192). Advanced modeling of protein sequence and biophysical properties (such as structural, functional, and spatial information, amino acid conservation, physicochemical variation, residue mobility, and thermodynamic stability) performed at Invitae indicates that this missense variant is expected to disrupt ATL1 protein function. This variant disrupts the p.Lys407 amino acid residue in ATL1. Other variant(s) that disrupt this residue have been observed in individuals with ATL1-related conditions (PMID: 19423133), which suggests that this may be a clinically significant amino acid residue. For these reasons, this variant has been classified as Pathogenic.

Ambry Genetics
Classification: Likely pathogenic for Inborn genetic diseases. Last evaluated: 2018-08-06. Review status: criteria provided, single submitter. Criteria: Ambry exome assertion method (8-5-2015). Collection method: clinical testing. Allele origin: germline. Affected: yes. Observed: 1 variant allele.

Paris Brain Institute, Inserm - ICM
Classification: Pathogenic for Hereditary spastic paraplegia 3A. Review status: criteria provided, single submitter. Criteria: ACMG Guidelines, 2015. Collection method: clinical testing. Allele origin: unknown. Affected: yes. Observed: 1 variant allele.

Literature cited by the submitters: PubMed 19423133 (cited by Labcorp Genetics (formerly Invitae), Labcorp and Ambry Genetics); PubMed 26633542 (cited by Ambry Genetics).